The following is an entry in ClinVar:

ClinVar aggregate classification (germline): Benign/Likely benign. Review status: criteria provided, multiple submitters, no conflicts (2 of 4 stars). 3 submissions from 3 submitters: Benign (2); Likely benign (1). Last evaluated 2024-10-01.

Allele frequency attached by ClinVar (database versions not stated): 1000 Genomes Project 30x 0.00297; 1000 Genomes Project 0.00319; TOPMed 0.00440; ESP Exome Variant Server 0.00469; gnomAD 0.00488 and 0.00493; gnomAD exomes 0.00520 and 0.00574; ExAC 0.00535.
gnomAD v4.1: 9,103 of 1,614,090 alleles (0.56%); highest among the groups gnomAD compares: Middle Eastern, 0.99%; 43 homozygotes.

Submissions (3):

CeGaT Center for Human Genetics Tuebingen
Classification: Likely benign. Last evaluated: 2024-10-01. Review status: criteria provided, single submitter. Criteria: CeGaT Center For Human Genetics Tuebingen Variant Classification Criteria Version 2. Collection method: clinical testing. Allele origin: germline. Affected: yes. Observed: 1 variant allele.
Comment: USP37: BP4, BS2

Labcorp Genetics (formerly Invitae), Labcorp
Classification: Benign. Last evaluated: 2018-07-26. Review status: criteria provided, single submitter. Criteria: Invitae Variant Classification Sherloc (09022015). Collection method: clinical testing. Allele origin: germline.

Breakthrough Genomics
Classification: Benign. Review status: criteria provided, single submitter. Criteria: ACMG Guidelines, 2015. Collection method: not provided. Allele origin: germline. Inheritance: Unknown mechanism. Affected: yes.

NM_020935.3(USP37):c.2927G>A (p.Arg976His)

Gene: USP37 (ubiquitin specific peptidase 37; minus strand). Cytogenetic location: 2q35.
Variant type: single nucleotide variant.
Coding change: c.2927G>A on transcript NM_020935.3 (MANE Select); coding-DNA position 2927, G replaced by A.
Protein change: p.Arg976His; replaces arginine 976 with histidine.
Molecular consequence: missense variant.
Genome position (GRCh38, 1-based): chr2:218,454,943, C>T on the plus strand (G>A on the coding strand, the complement: USP37 is on the minus strand). VCF-style: chr2-218454943-C-T. GRCh37 (hg19) VCF-style: chr2-219319666-C-T.
Other names: short protein forms R976H.
Identifiers: ClinVar variation 711264 (VCV000711264.17), dbSNP rs61752208, ClinGen allele CA2106820.